The following is an entry in ClinVar:

NM_021008.4(DEAF1):c.514C>T (p.Pro172Ser)

Gene: DEAF1 (DEAF1 transcription factor; minus strand). Cytogenetic location: 11p15.5.
Variant type: single nucleotide variant.
Coding change: c.514C>T on transcript NM_021008.4 (MANE Select); coding-DNA position 514, C replaced by T.
Protein change: p.Pro172Ser; replaces proline 172 with serine.
Molecular consequence: missense variant. On other transcripts: 5 prime UTR variant (1).
Genome position (GRCh38, 1-based): chr11:688,334, G>A on the plus strand (C>T on the coding strand, the complement: DEAF1 is on the minus strand). VCF-style: chr11-688334-G-A. GRCh37 (hg19) VCF-style: chr11-688334-G-A.
Other names: c.514C>T, p.Pro172Ser (NM_001293634.2); c.-213C>T (NM_001367390.1); short protein forms P172S.
Identifiers: ClinVar variation 1369035 (VCV001369035.8), dbSNP rs11552850, ClinGen allele CA216908343.

ClinVar aggregate classification (germline): Uncertain significance (1 of 4 stars; one submission).

Submission:

Labcorp Genetics (formerly Invitae), Labcorp
Classification: Uncertain significance. Last evaluated: 2021-02-02. Review status: criteria provided, single submitter. Criteria: Invitae Variant Classification Sherloc (09022015). Collection method: clinical testing. Allele origin: germline.
Comment: This sequence change replaces proline with serine at codon 172 of the DEAF1 protein (p.Pro172Ser). The proline residue is highly conserved and there is a moderate physicochemical difference between proline and serine. In summary, the available evidence is currently insufficient to determine the role of this variant in disease. Therefore, it has been classified as a Variant of Uncertain Significance. Advanced modeling of protein sequence and biophysical properties (such as structural, functional, and spatial information, amino acid conservation, physicochemical variation, residue mobility, and thermodynamic stability) performed at Invitae indicates that this missense variant is expected to disrupt DEAF1 protein function. This variant has been observed in individual(s) with clinical features of autosomal dominant DEAF1-related conditions (Invitae). This variant is not present in population databases (ExAC no frequency).